The following is an entry in ClinVar:

ClinVar aggregate classification (germline): Benign. Review status: criteria provided, multiple submitters, no conflicts (2 of 4 stars). 6 submissions from 6 submitters: Benign (6). Last evaluated 2026-01-31.

Conditions:
Autosomal recessive limb-girdle muscular dystrophy type 2P. Also called: MUSCULAR DYSTROPHY, LIMB-GIRDLE, TYPE 2P; MUSCULAR DYSTROPHY-DYSTROGLYCANOPATHY, LIMB-GIRDLE, DAG1-RELATED; Limb-Girdle Muscular Dystrophy Type 9C. Identifiers: Orphanet 280333, MedGen C4511963, MONDO:0013440, OMIM 613818.
Muscular dystrophy-dystroglycanopathy (congenital with brain and eye anomalies), type A9. Also called: Muscular dystrophy-dystroglycanopathy (congenital with brain and eye anomalies), type a, 9; WALKER-WARBURG SYNDROME OR MUSCLE-EYE BRAIN DISEASE, DAG1-RELATED. Identifiers: Orphanet 370997, Orphanet 899, MedGen C4225291, MONDO:0014683, OMIM 616538.

Allele frequency attached by ClinVar (database versions not stated): gnomAD exomes 0.00215 and 0.00086; 1000 Genomes Project 0.00819; TOPMed 0.01018; ExAC 0.00275; 1000 Genomes Project 30x 0.00859; gnomAD 0.00947 and 0.00881; ESP Exome Variant Server 0.01046.
gnomAD v4.1: 2,635 of 1,614,140 alleles (0.16%); highest among the groups gnomAD compares: African/African-American, 3.2%; 38 homozygotes.

Submissions (6):

Labcorp Genetics (formerly Invitae), Labcorp
Classification: Benign for Autosomal recessive limb-girdle muscular dystrophy type 2P; Muscular dystrophy-dystroglycanopathy (congenital with brain and eye anomalies), type A9. Last evaluated: 2026-01-31. Review status: criteria provided, single submitter. Criteria: Invitae Variant Classification Sherloc (09022015). Collection method: clinical testing. Allele origin: germline.

Athena Diagnostics
Classification: Benign. Last evaluated: 2020-02-13. Review status: criteria provided, single submitter. Criteria: Athena Diagnostics Criteria. Collection method: clinical testing. Allele origin: unknown.

GeneDx
Classification: Benign. Last evaluated: 2016-08-09. Review status: criteria provided, single submitter. Criteria: GeneDx Variant Classification (06012015). Collection method: clinical testing. Allele origin: germline. Affected: yes.
Comment: This variant is considered likely benign or benign based on one or more of the following criteria: it is a conservative change, it occurs at a poorly conserved position in the protein, it is predicted to be benign by multiple in silico algorithms, and/or has population frequency not consistent with disease.

Laboratory for Molecular Medicine, Mass General Brigham Personalized Medicine
Classification: Benign. Last evaluated: 2014-11-24. Review status: criteria provided, single submitter. Criteria: LMM Criteria. Collection method: clinical testing. Allele origin: germline. Observed: 1 variant allele.
Comment: Ser744Thr in exon 6C of DAG1: This variant is not expected to have clinical sign ificance because it has been identified in 3.1% (136/4406) of African American c hromosomes from a broad population by the NHLBI Exome Sequencing Project (dbSNP rs114357468).

Breakthrough Genomics
Classification: Benign. Review status: criteria provided, single submitter. Criteria: ACMG Guidelines, 2015. Collection method: not provided. Allele origin: germline. Inheritance: Autosomal recessive inheritance. Affected: yes.

PreventionGenetics, part of Exact Sciences
Classification: Benign. Review status: criteria provided, single submitter. Criteria: ACMG Guidelines, 2015. Collection method: clinical testing. Allele origin: germline.

NM_004393.6(DAG1):c.2231G>C (p.Ser744Thr)

Gene: DAG1 (dystroglycan 1; plus strand). Cytogenetic location: 3p21.31.
Variant type: single nucleotide variant.
Coding change: c.2231G>C on transcript NM_004393.6 (MANE Select); coding-DNA position 2231, G replaced by C.
Protein change: p.Ser744Thr; replaces serine 744 with threonine.
Molecular consequence: missense variant.
Genome position (GRCh38, 1-based): chr3:49,532,742, G>C. VCF-style: chr3-49532742-G-C. GRCh37 (hg19) VCF-style: chr3-49570175-G-C.
Other names: c.2231G>C, p.Ser744Thr (NM_001165928.4, NM_001177634.3, NM_001177635.3 and 9 more transcripts); short protein forms S744T.
Identifiers: ClinVar variation 226557 (VCV000226557.16), dbSNP rs114357468, ClinGen allele CA2399231.